The following is an entry in ClinVar:

ClinVar aggregate classification (germline): Conflicting classifications of pathogenicity. Review status: criteria provided, conflicting classifications (1 of 4 stars). 5 submissions from 5 submitters: Uncertain significance (4); Likely benign (1). Last evaluated 2025-12-11.

Conditions:
Cardiovascular phenotype. Identifiers: MedGen CN230736.
Arrhythmogenic cardiomyopathy with wooly hair and keratoderma. Also called: PALMOPLANTAR KERATODERMA WITH LEFT VENTRICULAR CARDIOMYOPATHY AND WOOLLY HAIR; Carvajal syndrome; Dilated cardiomyopathy with woolly hair and keratoderma; Arrhythmogenic cardiomyopathy with woolly hair and keratoderma. Identifiers: Orphanet 65282, MedGen C1854063, MONDO:0011581, OMIM 605676.
Woolly hair-skin fragility syndrome (WHSF). Identifiers: Orphanet 293165, MedGen C1843292, MONDO:0957307, OMIM 620415.
Cardiomyopathy, dilated, with wooly hair, keratoderma, and tooth agenesis. Also called: Cardiomyopathy, dilated, with woolly hair, keratoderma, and tooth agenesis; Erythrokeratodermia-cardiomyopathy syndrome. Identifiers: Orphanet 476096, Orphanet 65282, MedGen C4014393, MONDO:0014355, OMIM 615821.
Lethal acantholytic epidermolysis bullosa (EBLA). Identifiers: Orphanet 158687, MedGen C1864826, MONDO:0012323, OMIM 609638.
Arrhythmogenic right ventricular dysplasia 8 (ARVD8). Also called: Arrhythmogenic Right Ventricular Dysplasia/Cardiomyopathy 8; ARRHYTHMOGENIC RIGHT VENTRICULAR DYSPLASIA, FAMILIAL, 8; ARRHYTHMOGENIC RIGHT VENTRICULAR CARDIOMYOPATHY 8. Identifiers: MedGen C1843896, MONDO:0011831, OMIM 607450.
Keratosis palmoplantaris striata 2. Also called: KERATODERMA, PALMOPLANTAR, STRIATE FORM II; STRIATE PALMOPLANTAR KERATODERMA II; Keratosis palmoplantaris striata II. Identifiers: MedGen C1852127, MONDO:0013034, OMIM 612908.
Cardiomyopathy (CMYO). Also called: Cardiomyopathies. Identifiers: Orphanet 167848, MedGen C0878544, MONDO:0004994, HP:0001638. Inheritance: Various modes of inheritance.

Allele frequency attached by ClinVar (database versions not stated): gnomAD 0.00001; TOPMed 0.00001.
gnomAD v4.1: 1 of 1,611,780 alleles (0.000062%); highest among the groups gnomAD compares: East Asian, 0.0022%; no homozygotes.

Submissions (5):

Women's Health and Genetics/Laboratory Corporation of America, LabCorp
Classification: Uncertain significance. Last evaluated: 2025-12-11. Review status: criteria provided, single submitter. Criteria: LabCorp Variant Classification Summary - May 2015. Collection method: clinical testing. Allele origin: germline.

Labcorp Genetics (formerly Invitae), Labcorp
Classification: Likely benign for Arrhythmogenic cardiomyopathy with wooly hair and keratoderma; Arrhythmogenic right ventricular dysplasia 8. Last evaluated: 2024-05-13. Review status: criteria provided, single submitter. Criteria: Invitae Variant Classification Sherloc (09022015). Collection method: clinical testing. Allele origin: germline.

Ambry Genetics
Classification: Uncertain significance for Cardiovascular phenotype. Last evaluated: 2024-01-17. Review status: criteria provided, single submitter. Criteria: Ambry Variant Classification Scheme 2023. Collection method: clinical testing. Allele origin: germline.

Color Diagnostics, LLC DBA Color Health
Classification: Uncertain significance for Cardiomyopathy. Last evaluated: 2023-12-05. Review status: criteria provided, single submitter. Criteria: ACMG Guidelines, 2015. Collection method: clinical testing. Allele origin: germline.
Comment: Variant of Uncertain Significance due to insufficient evidence: This missense variant is located in the spectrin repeat 8 of the plakin domain of the DSP protein. Computational prediction tools and conservation analyses are inconclusive regarding the impact of this variant on the protein function. Computational splicing tools suggest that this variant may not impact RNA splicing. To our knowledge, functional assays have not been performed for this variant nor has this variant been reported in individuals affected with cardiovascular disorders in the literature. This variant has been identified in 1/30366 chromosomes in the general population by the Genome Aggregation Database (gnomAD). Available evidence is insufficient to determine the pathogenicity of this variant conclusively.

Fulgent Genetics
Classification: Uncertain significance for Arrhythmogenic cardiomyopathy with wooly hair and keratoderma; Arrhythmogenic right ventricular dysplasia 8; Lethal acantholytic epidermolysis bullosa; Keratosis palmoplantaris striata 2; Cardiomyopathy, dilated, with wooly hair, keratoderma, and tooth agenesis. Last evaluated: 2022-02-08. Review status: criteria provided, single submitter. Criteria: ACMG Guidelines, 2015. Collection method: clinical testing. Allele origin: unknown.

NM_004415.4(DSP):c.2441T>C (p.Ile814Thr)

Gene: DSP (desmoplakin; plus strand). Cytogenetic location: 6p24.3.
Variant type: single nucleotide variant.
Coding change: c.2441T>C on transcript NM_004415.4 (MANE Select); coding-DNA position 2441, T replaced by C.
Protein change: p.Ile814Thr; replaces isoleucine 814 with threonine.
Molecular consequence: missense variant.
Genome position (GRCh38, 1-based): chr6:7,575,299, T>C. VCF-style: chr6-7575299-T-C. GRCh37 (hg19) VCF-style: chr6-7575532-T-C.
Other names: c.2441T>C, p.Ile814Thr (NM_001008844.3, NM_001319034.2); short protein forms I814T.
Identifiers: ClinVar variation 919941 (VCV000919941.11), dbSNP rs1393048121, ClinGen allele CA362681340.